The following is an entry in ClinVar:

NM_138694.4(PKHD1):c.4341G>T (p.Leu1447=)

Gene: PKHD1 (PKHD1 ciliary IPT domain containing fibrocystin/polyductin; minus strand). Cytogenetic location: 6p12.2.
Variant type: single nucleotide variant.
Coding change: c.4341G>T on transcript NM_138694.4 (MANE Select); coding-DNA position 4341, G replaced by T.
Protein change: p.Leu1447=; no amino-acid change (leucine 1447 retained).
Molecular consequence: synonymous variant.
Genome position (GRCh38, 1-based): chr6:52,025,469, C>A on the plus strand (G>T on the coding strand, the complement: PKHD1 is on the minus strand). VCF-style: chr6-52025469-C-A. GRCh37 (hg19) VCF-style: chr6-51890267-C-A.
Other names: c.4341G>T, p.Leu1447= (NM_170724.3); c.4341G>T (NM_138694.3).
Identifiers: ClinVar variation 1104926 (VCV001104926.11), dbSNP rs1562165566, ClinGen allele CA450614610.

ClinVar aggregate classification (germline): Likely benign. Review status: criteria provided, single submitter (1 of 4 stars). 2 submissions from 2 submitters: Likely benign (1). 1 of the submissions does not count toward it. Last evaluated 2024-11-04.

Conditions:
PKHD1-related disorder. Also called: PKHD1-related condition.
Autosomal recessive polycystic kidney disease (ARPKD). Also called: AR polycystic kidney disease. Identifiers: Orphanet 731, Orphanet 8378, MedGen C0085548, MeSH D017044, MONDO:0009889.

gnomAD v4.1: 1 of 1,610,614 alleles (0.000062%); no homozygotes.

Submissions (2):

Labcorp Genetics (formerly Invitae), Labcorp
Classification: Likely benign for Autosomal recessive polycystic kidney disease. Last evaluated: 2024-11-04. Review status: criteria provided, single submitter. Criteria: Invitae Variant Classification Sherloc (09022015). Collection method: clinical testing. Allele origin: germline.

PreventionGenetics, part of Exact Sciences
Classification: Likely benign for PKHD1-related condition. Last evaluated: 2022-08-25. Review status: no assertion criteria provided. Collection method: clinical testing. Allele origin: germline. Not counted in ClinVar's aggregate classification.
Comment: This variant is classified as likely benign based on ACMG/AMP sequence variant interpretation guidelines (Richards et al. 2015 PMID: 25741868, with internal and published modifications).